The following is an entry in ClinVar:

ClinVar aggregate classification (germline): Uncertain significance. Review status: criteria provided, multiple submitters, no conflicts (2 of 4 stars). 3 submissions from 3 submitters: Uncertain significance (3). Last evaluated 2024-03-02.

Conditions:
Nephropathic cystinosis (CTNS). Also called: Abderhalden Lignac Kaufmann disease; Abderhalden-Kaufmann-Lignac syndrome; CYSTINOSIN, DEFECT OF; LYSOSOMAL CYSTINE TRANSPORT PROTEIN, DEFECT OF. Identifiers: Orphanet 213, Orphanet 411629, MedGen C2931187, MONDO:0100151, OMIM 219800.
Ocular cystinosis. Also called: Non-Nephropathic Cystinosis; Non-Nephropathic (Ocular) Cystinosis. Identifiers: Orphanet 213, Orphanet 411641, MedGen C2931013, MONDO:0009064, OMIM 219750.
Juvenile nephropathic cystinosis. Also called: Intermediate Cystinosis; CYSTINOSIS, LATE-ONSET JUVENILE OR ADOLESCENT NEPHROPATHIC TYPE; Later-Onset (Juvenile) Cystinosis. Identifiers: Orphanet 213, Orphanet 411634, MedGen C0268626, MONDO:0009066, OMIM 219900.
Inborn genetic diseases. Identifiers: MedGen C0950123, MeSH D030342.

Allele frequency attached by ClinVar (database versions not stated): ExAC 0.00001; gnomAD 0.00001; TOPMed 0.00001; ESP Exome Variant Server 0.00008.
gnomAD v4.1: 4 of 1,612,654 alleles (0.00025%); highest among the groups gnomAD compares: African/African-American, 0.0013%; no homozygotes.

Submissions (3):

Fulgent Genetics
Classification: Uncertain significance for Ocular cystinosis; Nephropathic cystinosis; Juvenile nephropathic cystinosis. Last evaluated: 2024-03-02. Review status: criteria provided, single submitter. Criteria: ACMG Guidelines, 2015. Collection method: clinical testing. Allele origin: germline.

Ambry Genetics
Classification: Uncertain significance for Inborn genetic diseases. Last evaluated: 2022-06-03. Review status: criteria provided, single submitter. Criteria: Ambry Variant Classification Scheme 2023. Collection method: clinical testing. Allele origin: germline.

Labcorp Genetics (formerly Invitae), Labcorp
Classification: Uncertain significance for Inborn genetic diseases; Ocular cystinosis; Juvenile nephropathic cystinosis. Last evaluated: 2022-05-05. Review status: criteria provided, single submitter. Criteria: Invitae Variant Classification Sherloc (09022015). Collection method: clinical testing. Allele origin: germline.
Comment: This sequence change replaces tyrosine, which is neutral and polar, with cysteine, which is neutral and slightly polar, at codon 226 of the CTNS protein (p.Tyr226Cys). This variant is present in population databases (rs142860397, gnomAD 0.007%). This variant has not been reported in the literature in individuals affected with CTNS-related conditions. Advanced modeling of protein sequence and biophysical properties (such as structural, functional, and spatial information, amino acid conservation, physicochemical variation, residue mobility, and thermodynamic stability) performed at Invitae indicates that this missense variant is expected to disrupt CTNS protein function. Algorithms developed to predict the effect of sequence changes on RNA splicing suggest that this variant may create or strengthen a splice site. In summary, the available evidence is currently insufficient to determine the role of this variant in disease. Therefore, it has been classified as a Variant of Uncertain Significance.

NM_004937.3(CTNS):c.677A>G (p.Tyr226Cys)

Genes: CTNS (cystinosin, lysosomal cystine transporter; plus strand), CTNS-AS1 (CTNS antisense RNA 1; minus strand). Cytogenetic location: 17p13.2.
Variant type: single nucleotide variant.
Coding change: c.677A>G on transcript NM_004937.3 (MANE Select); coding-DNA position 677, A replaced by G.
Protein change: p.Tyr226Cys; replaces tyrosine 226 with cysteine.
Molecular consequence: missense variant.
Genome position (GRCh38, 1-based): chr17:3,656,791, A>G. VCF-style: chr17-3656791-A-G. GRCh37 (hg19) VCF-style: chr17-3560085-A-G.
Other names: c.677A>G (NM_004937.2); c.677A>G, p.Tyr226Cys (NM_001031681.3, NM_001374492.1); c.236A>G, p.Tyr79Cys (NM_001374493.1, NM_001374494.1, NM_001374495.1 and 1 more transcripts); short protein forms Y79C, Y226C.
Identifiers: ClinVar variation 2161663 (VCV002161663.3), dbSNP rs142860397, ClinGen allele CA8291816.
Genomic context (GRCh38, chr17:3,656,791, plus strand): 5'-TCTTCTTCAGCCTGCACGCGGTTGTCCTCACGCTGATCATCATCGTGCAGTGCTGCCTGT[A>G]TGAGGTGAGACCAGCCCTGGCCCCCCACAGGCCACCCCAGCCAACACCCGCCACCCCACC-3'
Protein context (NP_004928.2, residues 216-236): TLIIIVQCCL[Tyr226Cys]ERGGQRVSWP